The following is an entry in ClinVar:

ClinVar aggregate classification (germline): Likely pathogenic (1 of 4 stars; one submission).

Conditions:
Multiple congenital anomalies-hypotonia-seizures syndrome 1 (MCAHS1). Also called: PIGN-CDG; Congenital disorder of glycosylation due to PIGN deficiency; GLYCOSYLPHOSPHATIDYLINOSITOL BIOSYNTHESIS DEFECT 3. Identifiers: Orphanet 280633, MedGen C3279775, MONDO:0013563, OMIM 614080.

gnomAD v4.1: 1 of 1,399,096 alleles (0.000071%); highest among the groups gnomAD compares: Non-Finnish European, 0.000099%; no homozygotes.

Submission:

Labcorp Genetics (formerly Invitae), Labcorp
Classification: Likely pathogenic for Multiple congenital anomalies-hypotonia-seizures syndrome 1. Last evaluated: 2024-12-26. Review status: criteria provided, single submitter. Criteria: Invitae Variant Classification Sherloc (09022015). Collection method: clinical testing. Allele origin: germline.
Comment: This sequence change affects an acceptor splice site in intron 9 of the PIGN gene. It is expected to disrupt RNA splicing. Variants that disrupt the donor or acceptor splice site typically lead to a loss of protein function (PMID: 16199547), and loss-of-function variants in PIGN are known to be pathogenic (PMID: 24253414, 27038415). This variant is not present in population databases (gnomAD no frequency). This variant has not been reported in the literature in individuals affected with PIGN-related conditions. Algorithms developed to predict the effect of sequence changes on RNA splicing suggest that this variant may disrupt the consensus splice site. In summary, the currently available evidence indicates that the variant is pathogenic, but additional data are needed to prove that conclusively. Therefore, this variant has been classified as Likely Pathogenic.

Literature cited by the submitters: PubMed 16199547; PubMed 24253414; PubMed 27038415.

NM_176787.5(PIGN):c.806-1G>C

Gene: PIGN (phosphatidylinositol glycan anchor biosynthesis class N; minus strand). Cytogenetic location: 18q21.33.
Variant type: single nucleotide variant.
Coding change: c.806-1G>C on transcript NM_176787.5 (MANE Select); the canonical splice acceptor site of the intron before coding-DNA position 806, G replaced by C.
Molecular consequence: splice acceptor variant.
Genome position (GRCh38, 1-based): chr18:62,146,026, C>G on the plus strand (G>C on the coding strand, the complement: PIGN is on the minus strand). VCF-style: chr18-62146026-C-G. GRCh37 (hg19) VCF-style: chr18-59813259-C-G.
Other names: c.806-1G>C (NM_012327.6).
Identifiers: ClinVar variation 3650599 (VCV003650599.2).
Genomic context (GRCh38, chr18:62,146,026, plus strand): 5'-CAGCTCCCCAAGTGACTAAAGGAGTTAAAGTCTCTGAAGGATGACCAGCCCCATGGGAAC[C>G]TACAAATAAGATATAAAGAATAATAAGACAAATATAGAAGAACTAACTTACAACTAAATA-3'